The following is an entry in ClinVar:

ClinVar aggregate classification (germline): Conflicting classifications of pathogenicity. Review status: criteria provided, conflicting classifications (1 of 4 stars). 2 submissions from 2 submitters: Uncertain significance (1); Likely benign (1). Last evaluated 2023-03-23.

Conditions:
Hereditary cancer-predisposing syndrome. Also called: Neoplastic Syndromes, Hereditary; Tumor predisposition; Hereditary Cancer Syndrome; Hereditary neoplastic syndrome. Identifiers: Orphanet 140162, MedGen C0027672, MeSH D009386, MONDO:0015356.

Submissions (2):

University of Washington Department of Laboratory Medicine, University of Washington
Classification: Likely benign for Hereditary cancer-predisposing syndrome. Last evaluated: 2023-03-23. Review status: criteria provided, single submitter. Criteria: Dines et al. (Genet Med. 2020). Collection method: curation. Allele origin: germline.
Comment: Missense variant in a coldspot region where missense variants are very unlikely to be pathogenic (PMID:31911673).

BRCA2 exon 11 coldspot. Reclassification based on statistical prior probability.

Ambry Genetics
Classification: Uncertain significance for Hereditary cancer-predisposing syndrome. Last evaluated: 2021-12-11. Review status: criteria provided, single submitter. Criteria: Ambry Variant Classification Scheme 2023. Collection method: clinical testing. Allele origin: germline.
Comment: The p.T1087N variant (also known as c.3260C>A), located in coding exon 10 of the BRCA2 gene, results from a C to A substitution at nucleotide position 3260. The threonine at codon 1087 is replaced by asparagine, an amino acid with similar properties. This amino acid position is conserved. In addition, this alteration is predicted to be tolerated by in silico analysis. Since supporting evidence is limited at this time, the clinical significance of this alteration remains unclear.

NM_000059.4(BRCA2):c.3260C>A (p.Thr1087Asn)

Gene: BRCA2 (BRCA2 DNA repair associated; plus strand). Cytogenetic location: 13q13.1.
Variant type: single nucleotide variant.
Coding change: c.3260C>A on transcript NM_000059.4 (MANE Select); coding-DNA position 3260, C replaced by A.
Protein change: p.Thr1087Asn; replaces threonine 1087 with asparagine.
Molecular consequence: missense variant.
Genome position (GRCh38, 1-based): chr13:32,337,615, C>A. VCF-style: chr13-32337615-C-A. GRCh37 (hg19) VCF-style: chr13-32911752-C-A.
Other names: c.3260C>A, p.Thr1087Asn (NM_001406719.1, NM_001406720.1); short protein forms T1087N.
Identifiers: ClinVar variation 1729529 (VCV001729529.4), dbSNP rs1555283123, ClinGen allele CA387776009.